The following is an entry in ClinVar:

ClinVar aggregate classification (germline): Uncertain significance (1 of 4 stars; one submission).

Submission:

Labcorp Genetics (formerly Invitae), Labcorp
Classification: Uncertain significance. Last evaluated: 2025-04-18. Review status: criteria provided, single submitter. Criteria: Invitae Variant Classification Sherloc (09022015). Collection method: clinical testing. Allele origin: germline.
Comment: This sequence change replaces valine, which is neutral and non-polar, with aspartic acid, which is acidic and polar, at codon 1781 of the COL11A1 protein (p.Val1781Asp). This variant is not present in population databases (gnomAD no frequency). This variant has not been reported in the literature in individuals affected with COL11A1-related conditions. Invitae Evidence Modeling of protein sequence and biophysical properties (such as structural, functional, and spatial information, amino acid conservation, physicochemical variation, residue mobility, and thermodynamic stability) indicates that this missense variant is not expected to disrupt COL11A1 protein function with a negative predictive value of 80%. In summary, the available evidence is currently insufficient to determine the role of this variant in disease. Therefore, it has been classified as a Variant of Uncertain Significance.

NM_001854.4(COL11A1):c.5342T>A (p.Val1781Asp)

Gene: COL11A1 (collagen type XI alpha 1 chain; minus strand). Cytogenetic location: 1p21.1.
Variant type: single nucleotide variant.
Coding change: c.5342T>A on transcript NM_001854.4 (MANE Select); coding-DNA position 5342, T replaced by A.
Protein change: p.Val1781Asp; replaces valine 1781 with aspartic acid.
Molecular consequence: missense variant. On other transcripts: non-coding transcript variant (1).
Genome position (GRCh38, 1-based): chr1:102,878,098, A>T on the plus strand (T>A on the coding strand, the complement: COL11A1 is on the minus strand). VCF-style: chr1-102878098-A-T. GRCh37 (hg19) VCF-style: chr1-103343654-A-T.
Other names: c.5225T>A, p.Val1742Asp (NM_001190709.2); c.5378T>A, p.Val1793Asp (NM_080629.3); c.4994T>A, p.Val1665Asp (NM_080630.4); short protein forms V1665D, V1781D, V1742D, V1793D.
Identifiers: ClinVar variation 4742226 (VCV004742226.1).